The following is an entry in ClinVar:

NM_000540.3(RYR1):c.8652_8653insG (p.Thr2885fs)

Gene: RYR1 (ryanodine receptor 1; plus strand). Cytogenetic location: 19q13.2.
Variant type: Insertion.
Coding change: c.8652_8653insG on transcript NM_000540.3 (MANE Select); coding-DNA positions 8652 to 8653, G inserted.
Protein change: p.Thr2885fs; shifts the reading frame from threonine 2885.
Molecular consequence: frameshift variant.
Genome position: GRCh38 VCF-style: chr19-38506506-C-CG. GRCh37 (hg19) VCF-style: chr19-38997146-C-CG.
Other names: c.8652_8653insG, p.Thr2885fs (NM_001042723.2); short protein forms T2885fs.
Identifiers: ClinVar variation 3643840 (VCV003643840.2).

ClinVar aggregate classification (germline): Pathogenic (1 of 4 stars; one submission).

Conditions:
RYR1-related disorder. Also called: RYR1-related condition; RYR1-related disorders. Identifiers: MedGen CN239331.

Submission:

Labcorp Genetics (formerly Invitae), Labcorp
Classification: Pathogenic for RYR1-related disorder. Last evaluated: 2024-03-01. Review status: criteria provided, single submitter. Criteria: Invitae Variant Classification Sherloc (09022015). Collection method: clinical testing. Allele origin: germline.
Comment: This sequence change creates a premature translational stop signal (p.Thr2885Aspfs*58) in the RYR1 gene. It is expected to result in an absent or disrupted protein product. Loss-of-function variants in RYR1 are known to be pathogenic (PMID: 23919265, 25960145, 28818389, 30611313). This variant is not present in population databases (gnomAD no frequency). This variant has not been reported in the literature in individuals affected with RYR1-related conditions. For these reasons, this variant has been classified as Pathogenic.

Literature cited by the submitters: PubMed 23919265; PubMed 25960145; PubMed 28818389; PubMed 30611313.